The following is an entry in ClinVar:

ClinVar aggregate classification (germline): Likely pathogenic (0 of 4 stars; one submission).

Conditions:
SPEN-related disorder. Also called: SPEN-related condition.

Submission:

PreventionGenetics, part of Exact Sciences
Classification: Likely pathogenic for SPEN-related condition. Last evaluated: 2023-11-13. Review status: no assertion criteria provided. Collection method: clinical testing. Allele origin: germline.
Comment: The SPEN c.9546dupT variant is predicted to result in premature protein termination (p.Glu3183*). To our knowledge, this variant has not been reported in the literature or in a large population database, indicating this variant is rare. Nonsense variants in SPEN are expected to be pathogenic. This variant is interpreted as likely pathogenic.

NM_015001.3(SPEN):c.9546dup (p.Glu3183Ter)

Gene: SPEN (spen family transcriptional repressor; plus strand). Cytogenetic location: 1p36.13.
Variant type: Duplication.
Coding change: c.9546dup on transcript NM_015001.3 (MANE Select); coding-DNA position 9546, one base duplicated (T; older notation c.9546dupT).
Protein change: p.Glu3183Ter; replaces glutamic acid 3183 with a stop codon.
Molecular consequence: nonsense.
Genome position (GRCh38, 1-based): chr1:15,935,786, T duplicated. VCF-style (leftmost placement, unchanged base first): chr1-15935785-C-CT. GRCh37 (hg19) VCF-style: chr1-16262280-C-CT.
Other names: short protein forms E3183*.
Identifiers: ClinVar variation 3042987 (VCV003042987.2), dbSNP rs2523095875, ClinGen allele CA2740090597.